The following is an entry in ClinVar:

ClinVar aggregate classification (germline): Pathogenic (1 of 4 stars; one submission).

Conditions:
Mucopolysaccharidosis, MPS-II (MPS2). Also called: Hunter Syndrome; IDURONATE 2-SULFATASE DEFICIENCY; Mucopolysaccharidosis Type II; Mucopolysaccharidosis type 2; Attenuated MPS (subtype; formerly known as mild MPS II); Severe MPS II. Identifiers: Orphanet 580, Orphanet 79388, MedGen C0026705, MONDO:0010674, OMIM 309900.

Submission:

Laboratory of Diagnosis and Therapy of Lysosomal Disorders, University of Padova
Classification: Pathogenic for Mucopolysaccharidosis, MPS-II. Last evaluated: 2024-06-07. Review status: criteria provided, single submitter. Criteria: ACMG Guidelines, 2015. Collection method: literature only. Allele origin: germline. Affected: yes. Observed: 1 variant allele.
Comment: Null variant (PVS1_VeryStrong), Absent from controls (or at low frequency) in gnomAD database (PM2_Moderate), Patient’s phenotype or family history highly specific for the disease (PP4_Strong)

Classification method: ACMG Guidelines [PMID:25741868] with modifications

Literature cited by the submitters: PubMed 8664909.

NM_000202.8(IDS):c.937del (p.Arg313fs)

Genes: IDS (iduronate 2-sulfatase; minus strand), LOC106050102 (IDS recombination region; plus strand). Cytogenetic location: Xq28.
Variant type: Deletion.
Coding change: c.937del on transcript NM_000202.8 (MANE Select); coding-DNA position 937, one base deleted (C; older notation c.937delC).
Protein change: p.Arg313fs; shifts the reading frame from arginine 313.
Molecular consequence: frameshift variant. On other transcripts: non-coding transcript variant (1).
Genome position (GRCh38, 1-based): chrX:149,490,383, G deleted on the plus strand (C on the coding strand, the reverse complement: IDS is on the minus strand); the first of 2 consecutive G bases (chrX:149,490,383-149,490,384); deleting either gives the same sequence. VCF-style (leftmost placement, unchanged base first): chrX-149490382-CG-C. GRCh37 (hg19) VCF-style: chrX-148571913-CG-C.
Other names: c.667del, p.Arg223fs (NM_001166550.4); c.937del, p.Arg313fs (NM_006123.5); short protein forms R223fs, R313fs.
Identifiers: ClinVar variation 3255886 (VCV003255886.2).
Genomic context (GRCh38, chrX:149,490,382, plus strand): 5'-GAGGTAAATGCAATGATGGTGCTGTTGGCCAGCTGAAGATCGTCCAAAGCACTCAAGAGG[CG>C]GCCGACCTGTGTATCCAAATATGACACAGAGGCAAAGTAGCTCTGGCGGATTTTCCGCTG-3'